The following is an entry in ClinVar:

ClinVar aggregate classification (germline): Uncertain significance (1 of 4 stars; one submission).

Conditions:
Neuropathy, hereditary sensory and autonomic, type 2A (HSAN2A). Also called: HSAN IIA; MORVAN DISEASE; NEUROPATHY, CONGENITAL SENSORY; NEUROPATHY, HEREDITARY SENSORY RADICULAR, AUTOSOMAL RECESSIVE; NEUROPATHY, HEREDITARY SENSORY, TYPE IIA; NEUROPATHY, PROGRESSIVE SENSORY, OF CHILDREN. Identifiers: Orphanet 970, MedGen C2752089, MONDO:0024309, OMIM 201300.
Generalized epilepsy with febrile seizures plus, type 7 (GEFSP7). Also called: GEFS+, TYPE 7. Identifiers: Orphanet 36387, MedGen C2751778, MONDO:0013470, OMIM 613863.

Allele frequency attached by ClinVar (database versions not stated): gnomAD exomes below 0.00001; TOPMed below 0.00001; ExAC 0.00002.
gnomAD v4.1: 1 of 1,597,132 alleles (0.000063%); highest among the groups gnomAD compares: South Asian, 0.0011%; no homozygotes.

Submission:

Labcorp Genetics (formerly Invitae), Labcorp
Classification: Uncertain significance for Neuropathy, hereditary sensory and autonomic, type 2A; Generalized epilepsy with febrile seizures plus, type 7. Last evaluated: 2024-07-15. Review status: criteria provided, single submitter. Criteria: Invitae Variant Classification Sherloc (09022015). Collection method: clinical testing. Allele origin: germline.
Comment: This sequence change replaces aspartic acid, which is acidic and polar, with histidine, which is basic and polar, at codon 1100 of the SCN9A protein (p.Asp1100His). This variant is present in population databases (rs756907635, gnomAD 0.003%). This variant has not been reported in the literature in individuals affected with SCN9A-related conditions. ClinVar contains an entry for this variant (Variation ID: 943217). Advanced modeling of protein sequence and biophysical properties (such as structural, functional, and spatial information, amino acid conservation, physicochemical variation, residue mobility, and thermodynamic stability) performed at Invitae indicates that this missense variant is not expected to disrupt SCN9A protein function with a negative predictive value of 95%. In summary, the available evidence is currently insufficient to determine the role of this variant in disease. Therefore, it has been classified as a Variant of Uncertain Significance.

NM_001365536.1(SCN9A):c.3331G>C (p.Asp1111His)

Genes: SCN9A (sodium voltage-gated channel alpha subunit 9; minus strand), SCN1A-AS1 (SCN1A and SCN9A antisense RNA 1; plus strand). Cytogenetic location: 2q24.3.
Variant type: single nucleotide variant.
Coding change: c.3331G>C on transcript NM_001365536.1 (MANE Select); coding-DNA position 3331, G replaced by C.
Protein change: p.Asp1111His; replaces aspartic acid 1111 with histidine.
Molecular consequence: missense variant.
Genome position (GRCh38, 1-based): chr2:166,272,419, C>G on the plus strand (G>C on the coding strand, the complement: SCN9A is on the minus strand). VCF-style: chr2-166272419-C-G. GRCh37 (hg19) VCF-style: chr2-167128929-C-G.
Other names: c.3298G>C, p.Asp1100His (NM_002977.4); short protein forms D1111H, D1100H.
Identifiers: ClinVar variation 943217 (VCV000943217.10), dbSNP rs756907635, ClinGen allele CA1944098.